The following is an entry in ClinVar:

ClinVar aggregate classification (germline): Uncertain significance (1 of 4 stars; one submission).

Submission:

Ambry Genetics
Classification: Uncertain significance. Last evaluated: 2021-07-29. Review status: criteria provided, single submitter. Criteria: Ambry Variant Classification Scheme 2023. Collection method: clinical testing. Allele origin: germline.
Comment: The p.K1635E variant (also known as c.4903A>G), located in coding exon 37 of the PRKDC gene, results from an A to G substitution at nucleotide position 4903. The lysine at codon 1635 is replaced by glutamic acid, an amino acid with similar properties. This amino acid position is conserved. In addition, this alteration is predicted to be tolerated by in silico analysis. Since supporting evidence is limited at this time, the clinical significance of this alteration remains unclear.

NM_006904.7(PRKDC):c.4903A>G (p.Lys1635Glu)

Gene: PRKDC (protein kinase, DNA-activated, catalytic subunit; minus strand). Cytogenetic location: 8q11.21.
Variant type: single nucleotide variant.
Coding change: c.4903A>G on transcript NM_006904.7 (MANE Select); coding-DNA position 4903, A replaced by G.
Protein change: p.Lys1635Glu; replaces lysine 1635 with glutamic acid.
Molecular consequence: missense variant.
Genome position (GRCh38, 1-based): chr8:47,881,971, T>C on the plus strand (A>G on the coding strand, the complement: PRKDC is on the minus strand). VCF-style: chr8-47881971-T-C. GRCh37 (hg19) VCF-style: chr8-48794532-T-C.
Other names: c.4903A>G, p.Lys1635Glu (NM_001081640.2); short protein forms K1635E.
Identifiers: ClinVar variation 1744000 (VCV001744000.2), dbSNP rs2551872694, ClinGen allele CA371141747.